The following is an entry in ClinVar:

ClinVar aggregate classification (germline): Uncertain significance (1 of 4 stars; one submission).

Submission:

Athena Diagnostics
Classification: Uncertain significance. Last evaluated: 2025-07-10. Review status: criteria provided, single submitter. Criteria: Athena Diagnostics Criteria. Collection method: clinical testing. Allele origin: unknown.
Comment: Available data are insufficient to determine the clinical significance of the variant at this time. This variant has not been reported in large, multi-ethnic general populations. Polyphen and MutationTaster predict this amino acid change may be damaging to the protein.

NM_001278064.2(GRM1):c.2324G>A (p.Arg775His)

Gene: GRM1 (glutamate metabotropic receptor 1; plus strand). Cytogenetic location: 6q24.3.
Variant type: single nucleotide variant.
Coding change: c.2324G>A on transcript NM_001278064.2 (MANE Select); coding-DNA position 2324, G replaced by A.
Protein change: p.Arg775His; replaces arginine 775 with histidine.
Molecular consequence: missense variant.
Genome position (GRCh38, 1-based): chr6:146,399,363, G>A. VCF-style: chr6-146399363-G-A. GRCh37 (hg19) VCF-style: chr6-146720499-G-A.
Other names: c.2324G>A, p.Arg775His (NM_001278065.2, NM_001278066.1, NM_001278067.1); short protein forms R775H.
Identifiers: ClinVar variation 4682185 (VCV004682185.1).